The following is an entry in ClinVar:

ClinVar aggregate classification (germline): Likely benign. Review status: criteria provided, multiple submitters, no conflicts (2 of 4 stars). 3 submissions from 3 submitters: Likely benign (2). 1 of the submissions does not count toward it. Last evaluated 2024-02-26.

Conditions:
Nephronophthisis 1 (NPHP1). Also called: Nephronophthisis familial juvenile. Identifiers: Orphanet 655, Orphanet 93592, MedGen C1855681, MONDO:0009728, OMIM 256100.
Joubert syndrome with renal defect. Also called: JOUBERT SYNDROME 4. Identifiers: Orphanet 220497, MedGen C1846790, MONDO:0012308, OMIM 609583.
Senior-Loken syndrome 1 (SLSN1). Also called: JUVENILE NEPHRONOPHTHISIS WITH LEBER AMAUROSIS. Identifiers: Orphanet 3156, MedGen C4551559, MONDO:0009962, OMIM 266900.
Nephronophthisis. Also called: Juvenile Nephronophthisis. Identifiers: Orphanet 655, MedGen C0687120, MONDO:0019005, HP:0000090.
NPHP1-related disorder. Also called: NPHP1-related condition; NPHP1-related disorders.

Allele frequency attached by ClinVar (database versions not stated): gnomAD 0.00001; ExAC 0.00002; gnomAD exomes 0.00002 and 0.00003; TOPMed 0.00002.
gnomAD v4.1: 44 of 1,610,386 alleles (0.0027%); highest among the groups gnomAD compares: Non-Finnish European, 0.0037%; no homozygotes.

Submissions (3):

Labcorp Genetics (formerly Invitae), Labcorp
Classification: Likely benign for Nephronophthisis. Last evaluated: 2024-02-26. Review status: criteria provided, single submitter. Criteria: Invitae Variant Classification Sherloc (09022015). Collection method: clinical testing. Allele origin: germline.

Fulgent Genetics
Classification: Likely benign for Nephronophthisis 1; Senior-Loken syndrome 1; Joubert syndrome with renal defect. Last evaluated: 2021-08-03. Review status: criteria provided, single submitter. Criteria: ACMG Guidelines, 2015. Collection method: clinical testing. Allele origin: unknown.

PreventionGenetics, part of Exact Sciences
Classification: Likely benign for NPHP1-related condition. Last evaluated: 2019-02-27. Review status: no assertion criteria provided. Collection method: clinical testing. Allele origin: germline. Not counted in ClinVar's aggregate classification.
Comment: This variant is classified as likely benign based on ACMG/AMP sequence variant interpretation guidelines (Richards et al. 2015 PMID: 25741868, with internal and published modifications).

NM_001128178.3(NPHP1):c.771+78G>A

Gene: NPHP1 (nephrocystin 1; minus strand). Cytogenetic location: 2q13.
Variant type: single nucleotide variant.
Coding change: c.771+78G>A on transcript NM_001128178.3 (MANE Select); 78 bases into the intron after coding-DNA position 771, G replaced by A.
Molecular consequence: intron variant. On other transcripts: synonymous variant (2).
Genome position (GRCh38, 1-based): chr2:110,164,610, C>T on the plus strand (G>A on the coding strand, the complement: NPHP1 is on the minus strand). VCF-style: chr2-110164610-C-T. GRCh37 (hg19) VCF-style: chr2-110922187-C-T.
Other names: c.849G>A, p.Val283= (NM_000272.5, NM_207181.4); c.585+78G>A (NM_001128179.3); c.771+78G>A (NM_001374256.1, NM_001374257.1).
Identifiers: ClinVar variation 705458 (VCV000705458.11), dbSNP rs762350912, ClinGen allele CA1827268.